The following is an entry in ClinVar:

ClinVar aggregate classification (germline): Uncertain significance (1 of 4 stars; one submission).

Conditions:
Distal myopathy with posterior leg and anterior hand involvement. Also called: WILLIAMS DISTAL MYOPATHY. Identifiers: Orphanet 63273, MedGen C3279722, MONDO:0013550, OMIM 614065.
Hypertrophic cardiomyopathy 26. Also called: Cardiomyopathy, familial hypertrophic, 26. Identifiers: Orphanet 75249, MedGen C4310749, MONDO:0014883, OMIM 617047.
Myofibrillar myopathy 5. Also called: Filaminopathy (type); FILAMINOPATHY, AUTOSOMAL DOMINANT. Identifiers: Orphanet 171445, MedGen C1836050, MONDO:0012289, OMIM 609524.

Submission:

Labcorp Genetics (formerly Invitae), Labcorp
Classification: Uncertain significance for Distal myopathy with posterior leg and anterior hand involvement; Myofibrillar myopathy 5; Hypertrophic cardiomyopathy 26. Last evaluated: 2025-12-09. Review status: criteria provided, single submitter. Criteria: Invitae Variant Classification Sherloc (09022015). Collection method: clinical testing. Allele origin: germline.
Comment: This sequence change replaces glycine, which is neutral and non-polar, with valine, which is neutral and non-polar, at codon 1891 of the FLNC protein (p.Gly1891Val). This variant is not present in population databases (gnomAD no frequency). This variant has not been reported in the literature in individuals affected with FLNC-related conditions. ClinVar contains an entry for this variant (Variation ID: 2130785). Invitae Evidence Modeling of protein sequence and biophysical properties (such as structural, functional, and spatial information, amino acid conservation, physicochemical variation, residue mobility, and thermodynamic stability) has been performed for this missense variant. However, the output from this modeling did not meet the statistical confidence thresholds required to predict the impact of this variant on FLNC protein function. In summary, the available evidence is currently insufficient to determine the role of this variant in disease. Therefore, it has been classified as a Variant of Uncertain Significance.

NM_001458.5(FLNC):c.5672G>T (p.Gly1891Val)

Genes: FLNC-AS1 (FLNC antisense RNA 1; minus strand), FLNC (filamin C; plus strand). Cytogenetic location: 7q32.1.
Variant type: single nucleotide variant.
Coding change: c.5672G>T on transcript NM_001458.5 (MANE Select); coding-DNA position 5672, G replaced by T.
Protein change: p.Gly1891Val; replaces glycine 1891 with valine.
Molecular consequence: missense variant. On other transcripts: non-coding transcript variant (1).
Genome position (GRCh38, 1-based): chr7:128,851,458, G>T. VCF-style: chr7-128851458-G-T. GRCh37 (hg19) VCF-style: chr7-128491512-G-T.
Other names: c.5573G>T, p.Gly1858Val (NM_001127487.2); short protein forms G1891V, G1858V.
Identifiers: ClinVar variation 2130785 (VCV002130785.4), dbSNP rs1808808728, ClinGen allele CA369207959.
Genomic context (GRCh38, chr7:128,851,458, plus strand): 5'-CACCAGGGGCAGGGGTGAGGGCAGGACCTCTGATCTTGGCCACACCTCCACCTACAGGGG[G>T]TCTGTCACTGGCCGTGGAGGGCCCATCCAAGGCAGAGATCACCTGTAAGGACAACAAGGA-3'
Protein context (NP_001449.3, residues 1881-1901): TIVTKDAGEG[Gly1891Val]LSLAVEGPSK